The following is an entry in ClinVar:

ClinVar aggregate classification (germline): Uncertain significance (1 of 4 stars; one submission).

Conditions:
Intellectual developmental disorder with microcephaly and with or without ocular malformations or hypogonadotropic hypogonadism. Also called: Intellectual disability, autosomal dominant 27; Coffin-Siris Syndrome 9. Identifiers: Orphanet 1465, MedGen C4014528, MONDO:0014376, OMIM 615866.

Submission:

Baylor Genetics
Classification: Uncertain significance for Intellectual developmental disorder with microcephaly and with or without ocular malformations or hypogonadotropic hypogonadism. Last evaluated: 2018-06-19. Review status: criteria provided, single submitter. Criteria: ACMG Guidelines, 2015. Collection method: clinical testing. Allele origin: paternal. Affected: yes.
Comment: This variant was determined to be of uncertain significance according to ACMG Guidelines, 2015 [PMID:25741868].

NM_003108.4(SOX11):c.1147G>T (p.Gly383Cys)

Gene: SOX11 (SRY-box transcription factor 11; plus strand). Cytogenetic location: 2p25.2.
Variant type: single nucleotide variant.
Coding change: c.1147G>T on transcript NM_003108.4 (MANE Select); coding-DNA position 1147, G replaced by T.
Protein change: p.Gly383Cys; replaces glycine 383 with cysteine.
Molecular consequence: missense variant.
Genome position (GRCh38, 1-based): chr2:5,693,868, G>T. VCF-style: chr2-5693868-G-T. GRCh37 (hg19) VCF-style: chr2-5834000-G-T.
Other names: short protein forms G383C.
Identifiers: ClinVar variation 1032873 (VCV001032873.1), dbSNP rs1665683367, ClinGen allele CA345868234.